The following is an entry in ClinVar:

ClinVar aggregate classification (germline): Conflicting classifications of pathogenicity. Review status: criteria provided, conflicting classifications (1 of 4 stars). 3 submissions from 3 submitters: Uncertain significance (2); Likely benign (1). Last evaluated 2025-10-13.

Conditions:
Progressive familial heart block type IB (PFHB1B). Identifiers: Orphanet 871, MedGen C1970298, MONDO:0011474, OMIM 604559.
Cardiovascular phenotype. Identifiers: MedGen CN230736.

Allele frequency attached by ClinVar (database versions not stated): TOPMed below 0.00001; gnomAD 0.00001; ExAC 0.00004; gnomAD exomes 0.00006.
gnomAD v4.1: 43 of 1,613,642 alleles (0.0027%); highest among the groups gnomAD compares: East Asian, 0.096%; no homozygotes.

Submissions (3):

Labcorp Genetics (formerly Invitae), Labcorp
Classification: Likely benign for Progressive familial heart block type IB. Last evaluated: 2025-10-13. Review status: criteria provided, single submitter. Criteria: Invitae Variant Classification Sherloc (09022015). Collection method: clinical testing. Allele origin: germline.

Ambry Genetics
Classification: Uncertain significance for Cardiovascular phenotype. Last evaluated: 2025-03-31. Review status: criteria provided, single submitter. Criteria: Ambry Variant Classification Scheme 2023. Collection method: clinical testing. Allele origin: germline.
Comment: The p.S1102A variant (also known as c.3304T>G), located in coding exon 21 of the TRPM4 gene, results from a T to G substitution at nucleotide position 3304. The serine at codon 1102 is replaced by alanine, an amino acid with similar properties. This amino acid position is poorly conserved in available vertebrate species, and alanine is the reference amino acid in other vertebrate species. In addition, this alteration is predicted to be tolerated by in silico analysis. Since supporting evidence is limited at this time, the clinical significance of this alteration remains unclear.

ARUP Laboratories, Molecular Genetics and Genomics, ARUP Laboratories
Classification: Uncertain significance. Last evaluated: 2018-01-11. Review status: criteria provided, single submitter. Criteria: ARUP Molecular Germline Variant Investigation Process. Collection method: clinical testing. Allele origin: germline.
Comment: The TRPM4 c.3304T>G; p.Ser1102Ala variant (rs759574423), to our knowledge, is not reported in the medical literature, gene specific variation databases, nor has it been previously identified by our laboratory. This variant is listed in the genome Aggregation Database (gnomAD) with an East Asian population frequency of 0.08% (identified on 14 out of 17,194 chromosomes). The serine at position 1102 is weakly conserved, considering 12 species, and computational analyses of the effects of the p.Ser1102Ala variant on protein structure and function predict no deleterious effect (SIFT: tolerated, MutationTaster: polymorphism, PolyPhen-2: benign). Based on the available information, the clinical significance of the p.Ser1102Ala variant cannot be determined with certainty.

NM_017636.4(TRPM4):c.3304T>G (p.Ser1102Ala)

Gene: TRPM4 (transient receptor potential cation channel subfamily M member 4; plus strand). Cytogenetic location: 19q13.33.
Variant type: single nucleotide variant.
Coding change: c.3304T>G on transcript NM_017636.4 (MANE Select); coding-DNA position 3304, T replaced by G.
Protein change: p.Ser1102Ala; replaces serine 1102 with alanine.
Molecular consequence: missense variant.
Genome position (GRCh38, 1-based): chr19:49,210,381, T>G. VCF-style: chr19-49210381-T-G. GRCh37 (hg19) VCF-style: chr19-49713638-T-G.
Other names: c.2869T>G, p.Ser957Ala (NM_001195227.2); c.2959T>G, p.Ser987Ala (NM_001321281.2); c.1696T>G, p.Ser566Ala (NM_001321282.2); c.2782T>G, p.Ser928Ala (NM_001321283.2); c.2242T>G, p.Ser748Ala (NM_001321285.2); short protein forms S1102A, S748A, S928A, S566A, S957A, S987A.
Identifiers: ClinVar variation 618450 (VCV000618450.18), dbSNP rs759574423, ClinGen allele CA9569846.